The following is an entry in ClinVar:

NM_017934.7(PHIP):c.4321A>C (p.Arg1441=)

Genes: IRAK1BP1 (interleukin 1 receptor associated kinase 1 binding protein 1; plus strand), PHIP (PHIP subunit of CUL4-Ring ligase complex; minus strand). Cytogenetic location: 6q14.1.
Variant type: single nucleotide variant.
Coding change: c.4321A>C on transcript NM_017934.7 (MANE Select); coding-DNA position 4321, A replaced by C.
Protein change: p.Arg1441=; no amino-acid change (arginine 1441 retained).
Molecular consequence: synonymous variant.
Genome position (GRCh38, 1-based): chr6:78,946,760, T>G on the plus strand (A>C on the coding strand, the complement: PHIP is on the minus strand). VCF-style: chr6-78946760-T-G. GRCh37 (hg19) VCF-style: chr6-79656477-T-G.
Other names: c.4321A>C (NM_017934.6).
Identifiers: ClinVar variation 2046809 (VCV002046809.19), dbSNP rs148337691, ClinGen allele CA3899473.

ClinVar aggregate classification (germline): Benign/Likely benign. Review status: criteria provided, multiple submitters, no conflicts (2 of 4 stars). 3 submissions from 3 submitters: Benign (1); Likely benign (1). 1 of the submissions does not count toward it. Last evaluated 2026-08-01.

Conditions:
PHIP-related disorder. Also called: PHIP-related condition; PHIP-related disorders.

Allele frequency attached by ClinVar (database versions not stated): gnomAD 0.00062; gnomAD exomes 0.00077; TOPMed 0.00090; ExAC 0.00258; 1000 Genomes Project 30x 0.00297; 1000 Genomes Project 0.00319.
gnomAD v4.1: 1,216 of 1,591,436 alleles (0.076%); highest among the groups gnomAD compares: Admixed American, 0.79%; 16 homozygotes.

Submissions (3):

CeGaT Center for Human Genetics Tuebingen
Classification: Likely benign. Last evaluated: 2026-08-01. Review status: criteria provided, single submitter. Criteria: CeGaT Center For Human Genetics Tuebingen Variant Classification Criteria Version 2. Collection method: clinical testing. Allele origin: germline. Affected: yes. Observed: 6 variant alleles.
Comment: PHIP: BP4, BS2

Labcorp Genetics (formerly Invitae), Labcorp
Classification: Benign. Last evaluated: 2026-01-22. Review status: criteria provided, single submitter. Criteria: Invitae Variant Classification Sherloc (09022015). Collection method: clinical testing. Allele origin: germline.

PreventionGenetics, part of Exact Sciences
Classification: Benign for PHIP-related condition. Last evaluated: 2021-09-14. Review status: no assertion criteria provided. Collection method: clinical testing. Allele origin: germline. Not counted in ClinVar's aggregate classification.
Comment: This variant is classified as benign based on ACMG/AMP sequence variant interpretation guidelines (Richards et al. 2015 PMID: 25741868, with internal and published modifications).